The following is an entry in ClinVar:

ClinVar aggregate classification (germline): Uncertain significance (1 of 4 stars; one submission).

Conditions:
HECW2-related disorder. Also called: HECW2-related condition.

gnomAD v4.1: 3 of 1,589,170 alleles (0.00019%); highest among the groups gnomAD compares: Non-Finnish European, 0.00017%; no homozygotes.

Submission:

PreventionGenetics, part of Exact Sciences
Classification: Uncertain significance for HECW2-related condition. Last evaluated: 2025-05-06. Review status: criteria provided, single submitter. Criteria: ACMG Guidelines, 2015. Collection method: clinical testing. Allele origin: germline.
Comment: The HECW2 c.2461G>T variant is predicted to result in the amino acid substitution p.Gly821Cys. To our knowledge, this variant has not been reported in the literature. This variant is reported in 0.00089% of alleles in individuals of European (Non-Finnish) descent in gnomAD. At this time, the clinical significance of this variant is uncertain due to the absence of conclusive functional and genetic evidence.

NM_001348768.2(HECW2):c.2461G>T (p.Gly821Cys)

Gene: HECW2 (HECT, C2 and WW domain containing E3 ubiquitin protein ligase 2; minus strand). Cytogenetic location: 2q32.3.
Variant type: single nucleotide variant.
Coding change: c.2461G>T on transcript NM_001348768.2 (MANE Select); coding-DNA position 2461, G replaced by T.
Protein change: p.Gly821Cys; replaces glycine 821 with cysteine.
Molecular consequence: missense variant.
Genome position (GRCh38, 1-based): chr2:196,308,059, C>A on the plus strand (G>T on the coding strand, the complement: HECW2 is on the minus strand). VCF-style: chr2-196308059-C-A. GRCh37 (hg19) VCF-style: chr2-197172783-C-A.
Other names: c.1393G>T, p.Gly465Cys (NM_001304840.3); c.2461G>T, p.Gly821Cys (NM_020760.4); short protein forms G821C, G465C.
Identifiers: ClinVar variation 5002333 (VCV005002333.1).